The following is an entry in ClinVar:

ClinVar aggregate classification (germline): Likely benign. Review status: criteria provided, multiple submitters, no conflicts (2 of 4 stars). 2 submissions from 2 submitters: Likely benign (2). Last evaluated 2026-05-01.

Conditions:
Creatine transporter deficiency (CCDS1). Also called: CEREBRAL CREATINE DEFICIENCY SYNDROME 1; Mental retardation , X-linked with seizures, short stature and midface hypoplasia; Mental retardation , X-linked, with creatine transport deficiency; X-linked creatine transporter deficiency; X-linked creatine deficiency syndrome; SLC6A8-Related Creatine Transporter Deficiency. Identifiers: Orphanet 52503, MedGen C1845862, MONDO:0010305, OMIM 300352.

Allele frequency attached by ClinVar (database versions not stated): gnomAD exomes below 0.00001; gnomAD 0.00001; TOPMed 0.00002.

Submissions (2):

CeGaT Center for Human Genetics Tuebingen
Classification: Likely benign. Last evaluated: 2026-05-01. Review status: criteria provided, single submitter. Criteria: CeGaT Center For Human Genetics Tuebingen Variant Classification Criteria Version 2. Collection method: clinical testing. Allele origin: germline. Affected: yes. Observed: 1 variant allele.
Comment: SLC6A8: BP4, BP7

Labcorp Genetics (formerly Invitae), Labcorp
Classification: Likely benign for Creatine transporter deficiency. Last evaluated: 2026-01-27. Review status: criteria provided, single submitter. Criteria: Invitae Variant Classification Sherloc (09022015). Collection method: clinical testing. Allele origin: germline.

NM_005629.4(SLC6A8):c.366T>C (p.Asn122=)

Gene: SLC6A8 (solute carrier family 6 member 8; plus strand). Cytogenetic location: Xq28.
Variant type: single nucleotide variant.
Coding change: c.366T>C on transcript NM_005629.4 (MANE Select); coding-DNA position 366, T replaced by C.
Protein change: p.Asn122=; no amino-acid change (asparagine 122 retained).
Molecular consequence: synonymous variant.
Genome position (GRCh38, 1-based): chrX:153,690,478, T>C. VCF-style: chrX-153690478-T-C. GRCh37 (hg19) VCF-style: chrX-152955933-T-C.
Other names: c.366T>C, p.Asn122= (NM_001142805.2); c.21T>C, p.Asn7= (NM_001142806.1).
Identifiers: ClinVar variation 2047963 (VCV002047963.6), dbSNP rs2091449160, ClinGen allele CA519185042.
Genomic context (GRCh38, chrX:153,690,478, plus strand): 5'-AATCCCCATTTTCTTCTTAGAGATCTCGCTGGGCCAGTTCATGAAGGCCGGCAGCATCAA[T>C]GTCTGGAACATCTGTCCCCTGTTCAAAGGTGAGCAGCCCTTGGCCAGCCTCAGGGACTGC-3'
Protein context (NP_005620.1, residues 112-132): LGQFMKAGSI[Asn122=]VWNICPLFKG